The following is an entry in ClinVar:

ClinVar aggregate classification (germline): Uncertain significance. Review status: criteria provided, multiple submitters, no conflicts (2 of 4 stars). 4 submissions from 4 submitters: Uncertain significance (4). Last evaluated 2025-11-03.

Conditions:
Hereditary cancer-predisposing syndrome. Also called: Tumor predisposition; Hereditary neoplastic syndrome; Hereditary Cancer Syndrome; Neoplastic Syndromes, Hereditary. Identifiers: Orphanet 140162, MedGen C0027672, MeSH D009386, MONDO:0015356.

Allele frequency attached by ClinVar (database versions not stated): gnomAD exomes below 0.00001; TOPMed 0.00001.
gnomAD v4.1: 4 of 1,613,302 alleles (0.00025%); highest among the groups gnomAD compares: South Asian, 0.0033%; no homozygotes.

Submissions (4):

Labcorp Genetics (formerly Invitae), Labcorp
Classification: Uncertain significance. Last evaluated: 2025-11-03. Review status: criteria provided, single submitter. Criteria: Invitae Variant Classification Sherloc (09022015). Collection method: clinical testing. Allele origin: germline.
Comment: This sequence change replaces glycine with glutamic acid at codon 78 of the NTHL1 protein (p.Gly78Glu). The glycine residue is weakly conserved and there is a moderate physicochemical difference between glycine and glutamic acid. This variant is not present in population databases (gnomAD no frequency). This variant has not been reported in the literature in individuals affected with NTHL1-related conditions. ClinVar contains an entry for this variant (Variation ID: 1051310). An algorithm developed to predict the effect of missense changes on protein structure and function outputs the following: PolyPhen-2: "Benign". The glutamic acid amino acid residue is found in multiple mammalian species, which suggests that this missense change does not adversely affect protein function. In summary, the available evidence is currently insufficient to determine the role of this variant in disease. Therefore, it has been classified as a Variant of Uncertain Significance.

Ambry Genetics
Classification: Uncertain significance for Hereditary cancer-predisposing syndrome. Last evaluated: 2025-07-07. Review status: criteria provided, single submitter. Criteria: Ambry Variant Classification Scheme 2023. Collection method: clinical testing. Allele origin: germline.
Comment: The p.G78E variant (also known as c.233G>A), located in coding exon 2 of the NTHL1 gene, results from a G to A substitution at nucleotide position 233. The glycine at codon 78 is replaced by glutamic acid, an amino acid with similar properties. This amino acid position is conserved. In addition, this alteration is predicted to be tolerated by in silico analysis. Since supporting evidence is limited at this time, the clinical significance of this alteration remains unclear.

Quest Diagnostics Nichols Institute San Juan Capistrano
Classification: Uncertain significance. Last evaluated: 2023-05-12. Review status: criteria provided, single submitter. Criteria: Quest Diagnostics criteria. Collection method: clinical testing. Allele origin: unknown.
Comment: This variant has not been reported in the published literature. It also has not been reported in large, multi-ethnic general populations. Analysis of this variant using bioinformatics tools for the prediction of the effect of amino acid changes on protein structure and function yielded predictions that this variant is benign. Based on the available information, we are unable to determine the clinical significance of this variant.

GeneDx
Classification: Uncertain significance. Last evaluated: 2019-10-31. Review status: criteria provided, single submitter. Criteria: GeneDx Variant Classification Process June 2021. Collection method: clinical testing. Allele origin: germline. Affected: yes.
Comment: Not observed in large population cohorts (Lek 2016); In silico analysis, which includes protein predictors and evolutionary conservation, supports that this variant does not alter protein structure/function; Has not been previously published as pathogenic or benign to our knowledge; Of note, NTHL1-Associated Polyposis (NAP) is a recessive condition associated with two pathogenic variants on opposite chromosomes in NTHL1

NM_002528.7(NTHL1):c.209G>A (p.Gly70Glu)

Gene: NTHL1 (nth like DNA glycosylase 1; minus strand). Cytogenetic location: 16p13.3.
Variant type: single nucleotide variant.
Coding change: c.209G>A on transcript NM_002528.7 (MANE Select); coding-DNA position 209, G replaced by A.
Protein change: p.Gly70Glu; replaces glycine 70 with glutamic acid.
Molecular consequence: missense variant. On other transcripts: intron variant (1).
Genome position (GRCh38, 1-based): chr16:2,046,273, C>T on the plus strand (G>A on the coding strand, the complement: NTHL1 is on the minus strand). VCF-style: chr16-2046273-C-T. GRCh37 (hg19) VCF-style: chr16-2096274-C-T.
Other names: c.209G>A, p.Gly70Glu (NM_001318193.2); c.24+7G>A (NM_001318194.2); c.233G>A (NM_002528.6); short protein forms G70E.
Identifiers: ClinVar variation 1051310 (VCV001051310.15), dbSNP rs1422162562, ClinGen allele CA394297538.